The following is an entry in ClinVar:

ClinVar aggregate classification (germline): Uncertain significance. Review status: criteria provided, multiple submitters, no conflicts (2 of 4 stars). 5 submissions from 5 submitters: Uncertain significance (4). 1 of the submissions does not count toward it. Last evaluated 2022-09-29.

Conditions:
Neuronal ceroid lipofuscinosis 3 (CLN3). Identifiers: Orphanet 228346, MedGen C0751383, MONDO:0008767, OMIM 204200.
Inborn genetic diseases. Identifiers: MedGen C0950123, MeSH D030342.
Neuronal ceroid lipofuscinosis. Also called: Neuronal Ceroid Lipofuscinoses. Identifiers: Orphanet 216, Orphanet 79263, MedGen C0027877, MONDO:0016295. Disease mechanism: loss of function.

Allele frequency attached by ClinVar (database versions not stated): gnomAD 0.00001 and 0.00002; gnomAD exomes 0.00001 and 0.00002; TOPMed 0.00002; ExAC 0.00003; 1000 Genomes Project 30x 0.00016; 1000 Genomes Project 0.00020.
gnomAD v4.1: 13 of 1,608,024 alleles (0.00081%); highest among the groups gnomAD compares: East Asian, 0.0089%; no homozygotes.

Submissions (5):

Ambry Genetics
Classification: Uncertain significance for Inborn genetic diseases. Last evaluated: 2022-09-29. Review status: criteria provided, single submitter. Criteria: Ambry Variant Classification Scheme 2023. Collection method: clinical testing. Allele origin: germline.

Labcorp Genetics (formerly Invitae), Labcorp
Classification: Uncertain significance for Neuronal ceroid lipofuscinosis. Last evaluated: 2022-08-31. Review status: criteria provided, single submitter. Criteria: Invitae Variant Classification Sherloc (09022015). Collection method: clinical testing. Allele origin: germline.
Comment: This sequence change replaces serine, which is neutral and polar, with leucine, which is neutral and non-polar, at codon 261 of the CLN3 protein (p.Ser261Leu). This variant is present in population databases (rs199627744, gnomAD 0.003%). This variant has not been reported in the literature in individuals affected with CLN3-related conditions. ClinVar contains an entry for this variant (Variation ID: 840500). Algorithms developed to predict the effect of missense changes on protein structure and function output the following: SIFT: "Tolerated"; PolyPhen-2: "Benign"; Align-GVGD: "Class C0". The leucine amino acid residue is found in multiple mammalian species, which suggests that this missense change does not adversely affect protein function. In summary, the available evidence is currently insufficient to determine the role of this variant in disease. Therefore, it has been classified as a Variant of Uncertain Significance.

Genome-Nilou Lab
Classification: Uncertain significance for Neuronal ceroid lipofuscinosis 3. Last evaluated: 2021-09-05. Review status: criteria provided, single submitter. Criteria: ACMG Guidelines, 2015. Collection method: clinical testing. Allele origin: germline. Affected: no.

GeneDx
Classification: Uncertain significance. Last evaluated: 2021-04-02. Review status: criteria provided, single submitter. Criteria: GeneDx Variant Classification Process June 2021. Collection method: clinical testing. Allele origin: germline. Affected: yes.
Comment: Not observed at a significant frequency in large population cohorts (Lek et al., 2016); In silico analysis supports that this missense variant has a deleterious effect on protein structure/function; Has not been previously published as pathogenic or benign to our knowledge

Natera, Inc.
Classification: Uncertain significance for Neuronal ceroid lipofuscinosis. Last evaluated: 2020-09-16. Review status: no assertion criteria provided. Collection method: clinical testing. Allele origin: germline. Not counted in ClinVar's aggregate classification.

NM_001042432.2(CLN3):c.782C>T (p.Ser261Leu)

Gene: CLN3 (CLN3 lysosomal/endosomal transmembrane protein, battenin; minus strand). Cytogenetic location: 16p12.1.
Variant type: single nucleotide variant.
Coding change: c.782C>T on transcript NM_001042432.2 (MANE Select); coding-DNA position 782, C replaced by T.
Protein change: p.Ser261Leu; replaces serine 261 with leucine.
Molecular consequence: missense variant.
Genome position (GRCh38, 1-based): chr16:28,484,014, G>A on the plus strand (C>T on the coding strand, the complement: CLN3 is on the minus strand). VCF-style: chr16-28484014-G-A. GRCh37 (hg19) VCF-style: chr16-28495335-G-A.
Other names: c.782C>T, p.Ser261Leu (NM_000086.2); c.710C>T, p.Ser237Leu (NM_001286104.2); c.482C>T, p.Ser161Leu (NM_001286105.2); c.548C>T, p.Ser183Leu (NM_001286109.2); c.620C>T, p.Ser207Leu (NM_001286110.2); short protein forms S161L, S207L, S237L, S183L, S261L.
Identifiers: ClinVar variation 840500 (VCV000840500.10), dbSNP rs199627744, ClinGen allele CA7980828.